The following is an entry in ClinVar:

NM_001278716.2(FBXL4):c.442C>T (p.Pro148Ser)

Gene: FBXL4 (F-box and leucine rich repeat protein 4; minus strand). Cytogenetic location: 6q16.2.
Variant type: single nucleotide variant.
Coding change: c.442C>T on transcript NM_001278716.2 (MANE Select); coding-DNA position 442, C replaced by T.
Protein change: p.Pro148Ser; replaces proline 148 with serine.
Molecular consequence: missense variant. On other transcripts: non-coding transcript variant (2).
Genome position (GRCh38, 1-based): chr6:98,926,547, G>A on the plus strand (C>T on the coding strand, the complement: FBXL4 is on the minus strand). VCF-style: chr6-98926547-G-A. GRCh37 (hg19) VCF-style: chr6-99374423-G-A.
Other names: c.442C>T, p.Pro148Ser (NM_012160.5); short protein forms P148S.
Identifiers: ClinVar variation 437579 (VCV000437579.1), dbSNP rs781254899, ClinGen allele CA3933686.

ClinVar aggregate classification (germline): Uncertain significance (1 of 4 stars; one submission).

Conditions:
Mitochondrial DNA depletion syndrome 13. Also called: FBXL4-Related Encephalomyopathic Mitochondrial DNA Depletion Syndrome; Mitochondrial DNA depletion syndrome 13 (encephalomyopathic type). Identifiers: Orphanet 369897, MedGen C3809592, MONDO:0014198, OMIM 615471.

Allele frequency attached by ClinVar (database versions not stated): gnomAD exomes below 0.00001 and 0.00001; gnomAD 0.00001; TOPMed 0.00001; ExAC 0.00002.
gnomAD v4.1: 2 of 1,613,992 alleles (0.00012%); highest among the groups gnomAD compares: East Asian, 0.0022%; no homozygotes.

Submission:

Wong Mito Lab, Molecular and Human Genetics, Baylor College of Medicine
Classification: Uncertain significance for Mitochondrial DNA depletion syndrome 13. Last evaluated: 2017-08-10. Review status: criteria provided, single submitter. Criteria: ACMG Guidelines, 2015. Collection method: reference population. Allele origin: germline.
Comment: The NM_012160.4:c.442C>T (NP_036292.2:p.Pro148Ser) [GRCH38: NC_000006.12:g.98926547G>A] variant in FBXL4 gene is interpretated to be a Uncertain Significance - Insufficient Evidence based on ACMG guidelines (PMID: 25741868). This variant meets one or more of the following evidence codes reported in the ACMG-guideline. PM2:This variant is absent in key population databases. Based on this evidence code ClinGen Pathogenicity Calculator (PMID:28081714) suggested that the variant is Uncertain Significance - Insufficient Evidence.